The following is an entry in ClinVar:

ClinVar aggregate classification (germline): Uncertain significance. Review status: reviewed by expert panel (3 of 4 stars). 2 submissions from 2 submitters: Uncertain significance (1). 1 of the submissions does not count toward it. Last evaluated 2024-08-13.

Conditions:
Hereditary von Willebrand disease. Identifiers: Orphanet 903, MedGen C5703318, MONDO:0019565. Inheritance: Autosomal recessive or Autosomal dominant.

Allele frequency attached by ClinVar (database versions not stated): TOPMed below 0.00001; gnomAD 0.00001.
gnomAD v4.1: 1 of 1,613,834 alleles (0.000062%); highest among the groups gnomAD compares: African/African-American, 0.0013%; no homozygotes.

Submissions (2):

ClinGen von Willebrand Disease Variant Curation Expert Panel, ClinGen
Classification: Uncertain significance for Hereditary von Willebrand disease. Last evaluated: 2024-08-13. Review status: reviewed by expert panel. Criteria: ClinGen VWD 2A B M Rules. Collection method: curation. Allele origin: germline.
Comment: NM_000552.5(VWF):c.4399C>T is a missense variant in VWF predicted to encode substitution of proline by serine at amino acid 1467. The Grpmax filtering allele frequency in gnomAD v4.1 is 0 (based on 1/74910 alleles in the African/African American population), which is lower than the ClinGen VWD VCEP threshold of <0.0001 (PM2_Supporting). The computational predictor REVEL gives a score of 0.503, which is below the ClinGen VWD VCEP PP3 threshold of >0.644 and does not predict a damaging effect on VWF function, while the computational splicing predictor SpliceAI indicates that the variant has no impact on splicing. At least 1 patient with this variant displayed a laboratory phenotype of low VWF:RCo/VWF:Ag ratio (0.09), but lacked the excessive mucocutaneous bleeding required for a phenotype specific to VWD type 2M (PMID: 19694940). Two members of the proband's family similarly harbored the variant but lacked the bleeding phenotype, but BS2 is considered not applicable. Flow cytometry and ELISA-based assays show no binding of the recombinant variant to fixed platelets or wild-type GPIb when induced by ristocetin, but normal binding of the variant to both targets when triggered in a ristocetin-independent manner (PMID: 19694940, PMID: 32573891). However, BS3_Supporting is not considered applicable. This variant is classified as a variant of unknown significance for VWD based on the ACMG/AMP criteria applied, as specified by the ClinGen VWD VCEP: PM2_Supporting.

Academic Unit of Haematology, University of Sheffield
No classification provided. Review status: no classification provided. Collection method: not provided. Allele origin: not provided. Not counted in ClinVar's aggregate classification.

NM_000552.5(VWF):c.4399C>T (p.Pro1467Ser)

Gene: VWF (von Willebrand factor; minus strand). Cytogenetic location: 12p13.31.
Variant type: single nucleotide variant.
Coding change: c.4399C>T on transcript NM_000552.5 (MANE Select); coding-DNA position 4399, C replaced by T.
Protein change: p.Pro1467Ser; replaces proline 1467 with serine.
Molecular consequence: missense variant.
Genome position (GRCh38, 1-based): chr12:6,019,019, G>A on the plus strand (C>T on the coding strand, the complement: VWF is on the minus strand). VCF-style: chr12-6019019-G-A. GRCh37 (hg19) VCF-style: chr12-6128185-G-A.
Other names: NM_000552.5(VWF):c.4399C>T; p.Pro1467Ser; short protein forms P1467S.
Identifiers: ClinVar variation 100356 (VCV000100356.2), dbSNP rs61750091, ClinGen allele CA228592.